The following is an entry in ClinVar:

NM_006231.4(POLE):c.6658-3C>A

Gene: POLE (DNA polymerase epsilon, catalytic subunit; minus strand). Cytogenetic location: 12q24.33.
Variant type: single nucleotide variant.
Coding change: c.6658-3C>A on transcript NM_006231.4 (MANE Select); 3 bases into the intron before coding-DNA position 6658, C replaced by A.
Molecular consequence: intron variant.
Genome position (GRCh38, 1-based): chr12:132,624,997, G>T on the plus strand (C>A on the coding strand, the complement: POLE is on the minus strand). VCF-style: chr12-132624997-G-T. GRCh37 (hg19) VCF-style: chr12-133201583-G-T.
Identifiers: ClinVar variation 2861073 (VCV002861073.3), dbSNP rs2041802587, ClinGen allele CA2622044135.

ClinVar aggregate classification (germline): Uncertain significance (1 of 4 stars; one submission).

Submission:

Labcorp Genetics (formerly Invitae), Labcorp
Classification: Uncertain significance. Last evaluated: 2023-05-01. Review status: criteria provided, single submitter. Criteria: Invitae Variant Classification Sherloc (09022015). Collection method: clinical testing. Allele origin: germline.
Comment: This variant has not been reported in the literature in individuals affected with POLE-related conditions. In summary, the available evidence is currently insufficient to determine the role of this variant in disease. Therefore, it has been classified as a Variant of Uncertain Significance. Variants that disrupt the consensus splice site are a relatively common cause of aberrant splicing (PMID: 17576681, 9536098). Studies have shown that this variant results in activation of cryptic splice sites and introduces a premature termination codon (Invitae). The resulting mRNA is expected to undergo nonsense-mediated decay. This variant is not present in population databases (gnomAD no frequency). This sequence change falls in intron 47 of the POLE gene. It does not directly change the encoded amino acid sequence of the POLE protein. RNA analysis indicates that this variant induces altered splicing and may result in an absent or disrupted protein product.

Literature cited by the submitters: PubMed 17576681; PubMed 9536098.